The following is an entry in ClinVar:

NM_002907.4(RECQL):c.1645T>C (p.Phe549Leu)

Gene: RECQL (RecQ like helicase; minus strand). Cytogenetic location: 12p12.1.
Variant type: single nucleotide variant.
Coding change: c.1645T>C on transcript NM_002907.4 (MANE Select); coding-DNA position 1645, T replaced by C.
Protein change: p.Phe549Leu; replaces phenylalanine 549 with leucine.
Molecular consequence: missense variant.
Genome position (GRCh38, 1-based): chr12:21,471,450, A>G on the plus strand (T>C on the coding strand, the complement: RECQL is on the minus strand). VCF-style: chr12-21471450-A-G. GRCh37 (hg19) VCF-style: chr12-21624384-A-G.
Other names: c.1645T>C, p.Phe549Leu (NM_032941.3); short protein forms F549L.
Identifiers: ClinVar variation 1777149 (VCV001777149.2), dbSNP rs2540319780, ClinGen allele CA384115056.
Genomic context (GRCh38, chr12:21,471,450, plus strand): 5'-AGACAACCTGAAAGAATAATGAATGAGTTTGTACATACTTAAGATACTGCTGTATTAGAA[A>G]GTGTGCAATAATCTTCTCCAGATCTTCACGAGGAAGTGTGGGAGCCACAACACCTGCTAC-3'
Protein context (NP_002898.2, residues 539-559): REDLEKIIAH[Phe549Leu]LIQQYLKEDY

ClinVar aggregate classification (germline): Uncertain significance (1 of 4 stars; one submission).

Submission:

Ambry Genetics
Classification: Uncertain significance. Last evaluated: 2021-06-30. Review status: criteria provided, single submitter. Criteria: Ambry Variant Classification Scheme 2023. Collection method: clinical testing. Allele origin: germline.
Comment: The p.F549L variant (also known as c.1645T>C), located in coding exon 12 of the RECQL gene, results from a T to C substitution at nucleotide position 1645. The phenylalanine at codon 549 is replaced by leucine, an amino acid with highly similar properties. This amino acid position is conserved. In addition, this alteration is predicted to be tolerated by in silico analysis. Since supporting evidence is limited at this time, the clinical significance of this alteration remains unclear.